The following is an entry in ClinVar:

NM_005918.4(MDH2):c.659A>G (p.Gln220Arg)

Gene: MDH2 (malate dehydrogenase 2; plus strand). Cytogenetic location: 7q11.23.
Variant type: single nucleotide variant.
Coding change: c.659A>G on transcript NM_005918.4 (MANE Select); coding-DNA position 659, A replaced by G.
Protein change: p.Gln220Arg; replaces glutamine 220 with arginine.
Molecular consequence: missense variant.
Genome position (GRCh38, 1-based): chr7:76,064,364, A>G. VCF-style: chr7-76064364-A-G. GRCh37 (hg19) VCF-style: chr7-75693682-A-G.
Other names: c.533A>G, p.Gln178Arg (NM_001282403.2); c.338A>G, p.Gln113Arg (NM_001282404.2); short protein forms Q220R, Q113R, Q178R.
Identifiers: ClinVar variation 1364294 (VCV001364294.7), dbSNP rs782549244, ClinGen allele CA4305646.

ClinVar aggregate classification (germline): Uncertain significance. Review status: criteria provided, multiple submitters, no conflicts (2 of 4 stars). 2 submissions from 2 submitters: Uncertain significance (2). Last evaluated 2024-02-27.

Conditions:
Inborn genetic diseases. Identifiers: MedGen C0950123, MeSH D030342.

Allele frequency attached by ClinVar (database versions not stated): gnomAD exomes 0.00003 and 0.00007; gnomAD 0.00004 and 0.00005; TOPMed 0.00006; ExAC 0.00008.

Submissions (2):

Ambry Genetics
Classification: Uncertain significance for Inborn genetic diseases. Last evaluated: 2024-02-27. Review status: criteria provided, single submitter. Criteria: Ambry Variant Classification Scheme 2023. Collection method: clinical testing. Allele origin: germline.

Labcorp Genetics (formerly Invitae), Labcorp
Classification: Uncertain significance. Last evaluated: 2022-06-19. Review status: criteria provided, single submitter. Criteria: Invitae Variant Classification Sherloc (09022015). Collection method: clinical testing. Allele origin: germline.
Comment: This sequence change replaces glutamine, which is neutral and polar, with arginine, which is basic and polar, at codon 220 of the MDH2 protein (p.Gln220Arg). This variant is present in population databases (rs782549244, gnomAD 0.01%). This variant has not been reported in the literature in individuals affected with MDH2-related conditions. Algorithms developed to predict the effect of missense changes on protein structure and function (SIFT, PolyPhen-2, Align-GVGD) all suggest that this variant is likely to be tolerated. In summary, the available evidence is currently insufficient to determine the role of this variant in disease. Therefore, it has been classified as a Variant of Uncertain Significance.